The following is an entry in ClinVar:

ClinVar aggregate classification (germline): Uncertain significance (1 of 4 stars; one submission).

gnomAD v4.1: 1 of 1,614,170 alleles (0.000062%); highest among the groups gnomAD compares: Non-Finnish European, 0.000085%; no homozygotes.

Submission:

GeneDx
Classification: Uncertain significance. Last evaluated: 2024-07-26. Review status: criteria provided, single submitter. Criteria: GeneDx Variant Classification Process June 2021. Collection method: clinical testing. Allele origin: germline. Affected: yes.
Comment: Not observed at significant frequency in large population cohorts (gnomAD); In silico analysis supports that this missense variant has a deleterious effect on protein structure/function; Has not been previously published as pathogenic or benign to our knowledge

NM_006662.3(SRCAP):c.3617C>T (p.Pro1206Leu)

Gene: SRCAP (Snf2 related CREBBP activator protein; plus strand). Cytogenetic location: 16p11.2.
Variant type: single nucleotide variant.
Coding change: c.3617C>T on transcript NM_006662.3 (MANE Select); coding-DNA position 3617, C replaced by T.
Protein change: p.Pro1206Leu; replaces proline 1206 with leucine.
Molecular consequence: missense variant.
Genome position (GRCh38, 1-based): chr16:30,722,197, C>T. VCF-style: chr16-30722197-C-T. GRCh37 (hg19) VCF-style: chr16-30733518-C-T.
Other names: short protein forms P1206L.
Identifiers: ClinVar variation 3600598 (VCV003600598.1).